The following is an entry in ClinVar:

ClinVar aggregate classification (germline): Uncertain significance (1 of 4 stars; one submission).

Conditions:
Primary dilated cardiomyopathy (DCM). Also called: Dilated Cardiomyopathy. Identifiers: Orphanet 217604, MedGen C0007193, MeSH D002311, MONDO:0005021, HP:0001644. Inheritance: Various modes of inheritance.

gnomAD v4.1: 1 of 1,595,706 alleles (0.000063%); highest among the groups gnomAD compares: Non-Finnish European, 0.000086%; no homozygotes.

Submission:

Labcorp Genetics (formerly Invitae), Labcorp
Classification: Uncertain significance for Primary dilated cardiomyopathy. Last evaluated: 2024-03-08. Review status: criteria provided, single submitter. Criteria: Invitae Variant Classification Sherloc (09022015). Collection method: clinical testing. Allele origin: germline.
Comment: This sequence change replaces glutamic acid, which is acidic and polar, with glycine, which is neutral and non-polar, at codon 56 of the NEBL protein (p.Glu56Gly). This variant is not present in population databases (gnomAD no frequency). This variant has not been reported in the literature in individuals affected with NEBL-related conditions. Algorithms developed to predict the effect of missense changes on protein structure and function output the following: SIFT: "Not Available"; PolyPhen-2: "Benign"; Align-GVGD: "Not Available". The glycine amino acid residue is found in multiple mammalian species, which suggests that this missense change does not adversely affect protein function. In summary, the available evidence is currently insufficient to determine the role of this variant in disease. Therefore, it has been classified as a Variant of Uncertain Significance.

NM_006393.3(NEBL):c.167A>G (p.Glu56Gly)

Gene: NEBL (nebulette; minus strand). Cytogenetic location: 10p12.31.
Variant type: single nucleotide variant.
Coding change: c.167A>G on transcript NM_006393.3 (MANE Select); coding-DNA position 167, A replaced by G.
Protein change: p.Glu56Gly; replaces glutamic acid 56 with glycine.
Molecular consequence: missense variant. On other transcripts: intron variant (9).
Genome position (GRCh38, 1-based): chr10:20,889,936, T>C on the plus strand (A>G on the coding strand, the complement: NEBL is on the minus strand). VCF-style: chr10-20889936-T-C. GRCh37 (hg19) VCF-style: chr10-21178865-T-C.
Other names: c.249+71736A>G (NM_001377326.1, NM_001377327.1, NM_001377328.1); c.357+71736A>G (NM_213569.2, NM_001173484.2, NM_001377322.1); c.300+71736A>G (NM_001377324.1); c.291+71736A>G (NM_001377325.1); c.309+71736A>G (NM_001377323.1); short protein forms E56G.
Identifiers: ClinVar variation 3633109 (VCV003633109.2).